The following is an entry in ClinVar:

ClinVar aggregate classification (germline): Pathogenic (1 of 4 stars; one submission).

Submission:

Labcorp Genetics (formerly Invitae), Labcorp
Classification: Pathogenic. Last evaluated: 2024-08-08. Review status: criteria provided, single submitter. Criteria: Invitae Variant Classification Sherloc (09022015). Collection method: clinical testing. Allele origin: germline.
Comment: This sequence change creates a premature translational stop signal (p.Asp591Phefs*10) in the DSG1 gene. It is expected to result in an absent or disrupted protein product. Loss-of-function variants in DSG1 are known to be pathogenic (PMID: 19018793, 23974871, 27534273, 27632246, 29604126). This variant is not present in population databases (gnomAD no frequency). This premature translational stop signal has been observed in individual(s) with palmoplantar keratoderma (PMID: 27534273). For these reasons, this variant has been classified as Pathogenic.

Literature cited by the submitters: PubMed 19018793; PubMed 23974871; PubMed 27534273; PubMed 27632246; PubMed 29604126.

NM_001942.4(DSG1):c.1771_1784del (p.Asp591fs)

Genes: DSG1 (desmoglein 1; plus strand), DSG1-AS1 (DSG1 antisense RNA 1; minus strand). Cytogenetic location: 18q12.1.
Variant type: Deletion.
Coding change: c.1771_1784del on transcript NM_001942.4 (MANE Select); coding-DNA positions 1771 to 1784, 14 bases deleted (GATGGAGCAATTCA).
Protein change: p.Asp591fs; shifts the reading frame from aspartic acid 591.
Molecular consequence: frameshift variant. On other transcripts: non-coding transcript variant (2).
Genome position (GRCh38, 1-based): chr18:31,343,533-31,343,546, GATGGAGCAATTCA deleted; deleting any 14 consecutive bases within chr18:31,343,529-31,343,546 gives the same sequence; the c. name uses the placement nearest the transcript's 3' end. VCF-style (leftmost placement, unchanged base first): chr18-31343528-GTTCAGATGGAGCAA-G. GRCh37 (hg19) VCF-style: chr18-28923491-GTTCAGATGGAGCAA-G.
Other names: short protein forms D591fs.
Identifiers: ClinVar variation 3723112 (VCV003723112.2).